The following is an entry in ClinVar:

ClinVar aggregate classification (germline): Uncertain significance (1 of 4 stars; one submission).

Conditions:
CHARGE syndrome (CHARGE). Also called: Hittner Hirsch Kreh syndrome; Coloboma, heart anomaly, choanal atresia, retardation, genital and ear anomalies; CHARGE association; Hall-Hittner syndrome; CHARGE ASSOCIATION--COLOBOMA, HEART ANOMALY, CHOANAL ATRESIA, RETARDATION, GENITAL AND EAR ANOMALIES. Identifiers: Orphanet 138, MedGen C0265354, MONDO:0008965.

Submission:

Centre for Mendelian Genomics, University Medical Centre Ljubljana
Classification: Uncertain significance for CHD7-related CHARGE syndrome. Last evaluated: 2018-09-26. Review status: criteria provided, single submitter. Criteria: ACMG Guidelines, 2015. Collection method: clinical testing. Allele origin: unknown. Affected: yes.
Comment: This variant was classified as: Uncertain significance. The available evidence on this variant's pathogenicity is insufficient or conflicting. The following ACMG criteria were applied in classifying this variant: PM2,PP3.

NM_017780.4(CHD7):c.3659C>A (p.Ala1220Asp)

Gene: CHD7 (chromodomain helicase DNA binding protein 7; plus strand). Cytogenetic location: 8q12.2.
Variant type: single nucleotide variant.
Coding change: c.3659C>A on transcript NM_017780.4 (MANE Select); coding-DNA position 3659, C replaced by A.
Protein change: p.Ala1220Asp; replaces alanine 1220 with aspartic acid.
Molecular consequence: missense variant. On other transcripts: intron variant (1).
Genome position (GRCh38, 1-based): chr8:60,830,458, C>A. VCF-style: chr8-60830458-C-A. GRCh37 (hg19) VCF-style: chr8-61743017-C-A.
Other names: c.1717-31771C>A (NM_001316690.1); short protein forms A1220D.
Identifiers: ClinVar variation 930663 (VCV000930663.3), dbSNP rs1181372363, ClinGen allele CA371315487.